The following is an entry in ClinVar:

NM_001033855.3(DCLRE1C):c.746G>T (p.Arg249Leu)

Gene: DCLRE1C (DNA cross-link repair 1C; minus strand). Cytogenetic location: 10p13.
Variant type: single nucleotide variant.
Coding change: c.746G>T on transcript NM_001033855.3 (MANE Select); coding-DNA position 746, G replaced by T.
Protein change: p.Arg249Leu; replaces arginine 249 with leucine.
Molecular consequence: missense variant. On other transcripts: non-coding transcript variant (4).
Genome position (GRCh38, 1-based): chr10:14,932,888, C>A on the plus strand (G>T on the coding strand, the complement: DCLRE1C is on the minus strand). VCF-style: chr10-14932888-C-A. GRCh37 (hg19) VCF-style: chr10-14974887-C-A.
Other names: c.386G>T, p.Arg129Leu (NM_001033857.3, NM_001033858.3, NM_001289077.2 and 2 more transcripts); c.401G>T, p.Arg134Leu (NM_001289076.2, NM_001289078.2, NM_001350966.2 and 1 more transcripts); c.746G>T, p.Arg249Leu (NM_001350965.2); short protein forms R129L, R249L, R134L.
Identifiers: ClinVar variation 2184651 (VCV002184651.2), dbSNP rs374838779, ClinGen allele CA203395046.

ClinVar aggregate classification (germline): Uncertain significance (1 of 4 stars; one submission).

Conditions:
Severe combined immunodeficiency due to DCLRE1C deficiency (RS-SCID). Also called: SCID, AUTOSOMAL RECESSIVE, T CELL-NEGATIVE, B CELL-NEGATIVE, NK CELL-POSITIVE, WITH SENSITIVITY TO IONIZING RADIATION. Identifiers: Orphanet 275, MedGen C1865371, MONDO:0011225, OMIM 602450.

gnomAD v4.1: 4 of 1,614,058 alleles (0.00025%); highest among the groups gnomAD compares: Admixed American, 0.0017%; no homozygotes.

Submission:

Labcorp Genetics (formerly Invitae), Labcorp
Classification: Uncertain significance for Athabaskan severe combined immunodeficiency. Last evaluated: 2024-12-31. Review status: criteria provided, single submitter. Criteria: Invitae Variant Classification Sherloc (09022015). Collection method: clinical testing. Allele origin: germline.
Comment: This sequence change replaces arginine, which is basic and polar, with leucine, which is neutral and non-polar, at codon 249 of the DCLRE1C protein (p.Arg249Leu). This variant is present in population databases (rs374838779, gnomAD 0.003%). This variant has not been reported in the literature in individuals affected with DCLRE1C-related conditions. ClinVar contains an entry for this variant (Variation ID: 2184651). Invitae Evidence Modeling of protein sequence and biophysical properties (such as structural, functional, and spatial information, amino acid conservation, physicochemical variation, residue mobility, and thermodynamic stability) indicates that this missense variant is not expected to disrupt DCLRE1C protein function with a negative predictive value of 80%. In summary, the available evidence is currently insufficient to determine the role of this variant in disease. Therefore, it has been classified as a Variant of Uncertain Significance.